The following is an entry in ClinVar:

NM_004329.3(BMPR1A):c.1585G>C (p.Asp529His)

Gene: BMPR1A (bone morphogenetic protein receptor type 1A; plus strand). Cytogenetic location: 10q23.2.
Variant type: single nucleotide variant.
Coding change: c.1585G>C on transcript NM_004329.3 (MANE Select); coding-DNA position 1585, G replaced by C.
Protein change: p.Asp529His; replaces aspartic acid 529 with histidine.
Molecular consequence: missense variant. On other transcripts: non-coding transcript variant (3).
Genome position (GRCh38, 1-based): chr10:86,923,705, G>C. VCF-style: chr10-86923705-G-C. GRCh37 (hg19) VCF-style: chr10-88683462-G-C.
Other names: c.1585G>C, p.Asp529His (NM_001406579.1, NM_001406580.1, NM_001406581.1 and 19 more transcripts); c.1579G>C, p.Asp527His (NM_001406583.1); c.1501G>C, p.Asp501His (NM_001406584.1, NM_001406585.1, NM_001406586.1 and 2 more transcripts); c.1243G>C, p.Asp415His (NM_001406589.1); c.1633G>C, p.Asp545His (NM_001406560.1); c.1660G>C, p.Asp554His (NM_001406559.1); short protein forms D501H, D527H, D529H, D554H, D415H, D545H.
Identifiers: ClinVar variation 5032974 (VCV005032974.1).

ClinVar aggregate classification (germline): Uncertain significance (1 of 4 stars; one submission).

Conditions:
Hereditary cancer-predisposing syndrome. Also called: Neoplastic Syndromes, Hereditary; Tumor predisposition; Hereditary neoplastic syndrome; Hereditary Cancer Syndrome. Identifiers: Orphanet 140162, MedGen C0027672, MeSH D009386, MONDO:0015356.

Submission:

Ambry Genetics
Classification: Uncertain significance for Hereditary cancer-predisposing syndrome. Last evaluated: 2026-07-06. Review status: criteria provided, single submitter. Criteria: Ambry Variant Classification Scheme 2023. Collection method: clinical testing. Allele origin: germline.
Comment: The p.D529H variant (also known as c.1585G>C), located in coding exon 11 of the BMPR1A gene, results from a G to C substitution at nucleotide position 1585. The aspartic acid at codon 529 is replaced by histidine, an amino acid with similar properties. This amino acid position is conserved. In addition, the in silico prediction for this alteration is inconclusive. Based on the available evidence, the clinical significance of this variant remains unclear.